The following is an entry in ClinVar:

NM_002878.4(RAD51D):c.200_218del (p.Asn67fs)

Genes: RAD51D (RAD51 paralog D; minus strand), RAD51L3-RFFL (RAD51L3-RFFL readthrough; minus strand). Cytogenetic location: 17q12.
Variant type: Deletion.
Coding change: c.200_218del on transcript NM_002878.4 (MANE Select); coding-DNA positions 200 to 218, 19 bases deleted (ATGGCGCTGATCTCTACGA).
Protein change: p.Asn67fs; shifts the reading frame from asparagine 67.
Molecular consequence: frameshift variant. On other transcripts: intron variant (2).
Genome position (GRCh38, 1-based): chr17:35,118,546-35,118,564, TCGTAGAGATCAGCGCCAT deleted on the plus strand (ATGGCGCTGATCTCTACGA on the coding strand, the reverse complement: RAD51D is on the minus strand); deleting any 19 consecutive bases within chr17:35,118,546-35,118,566 gives the same sequence; the c. name uses the placement nearest the transcript's 3' end. VCF-style (leftmost placement, unchanged base first): chr17-35118545-CTCGTAGAGATCAGCGCCAT-C. GRCh37 (hg19) VCF-style: chr17-33445564-CTCGTAGAGATCAGCGCCAT-C.
Other names: c.144+547_144+565del (NM_133629.3, NM_001142571.2); short protein forms N67fs.
Identifiers: ClinVar variation 2674420 (VCV002674420.2), dbSNP rs2509181684, ClinGen allele CA2695201315.

ClinVar aggregate classification (germline): Pathogenic. Review status: criteria provided, multiple submitters, no conflicts (2 of 4 stars). 2 submissions from 2 submitters: Pathogenic (2). Last evaluated 2025-06-09.

Conditions:
Breast-ovarian cancer, familial, susceptibility to, 4. Identifiers: Orphanet 145, MedGen C3280345, MONDO:0013669, OMIM 614291.

Submissions (2):

Labcorp Genetics (formerly Invitae), Labcorp
Classification: Pathogenic for Breast-ovarian cancer, familial, susceptibility to, 4. Last evaluated: 2025-06-09. Review status: criteria provided, single submitter. Criteria: Invitae Variant Classification Sherloc (09022015). Collection method: clinical testing. Allele origin: germline.
Comment: This sequence change creates a premature translational stop signal (p.Asn67Argfs*3) in the RAD51D gene. It is expected to result in an absent or disrupted protein product. Loss-of-function variants in RAD51D are known to be pathogenic (PMID: 21822267). This variant is not present in population databases (gnomAD no frequency). This variant has not been reported in the literature in individuals affected with RAD51D-related conditions. ClinVar contains an entry for this variant (Variation ID: 2674420). For these reasons, this variant has been classified as Pathogenic.

Myriad Genetics, Inc.
Classification: Pathogenic for Breast-ovarian cancer, familial, susceptibility to, 4. Last evaluated: 2023-08-25. Review status: criteria provided, single submitter. Criteria: Myriad Autosomal Dominant, Autosomal Recessive and X-Linked Classification Criteria (2023). Collection method: clinical testing. Allele origin: unknown.
Comment: This variant is considered pathogenic. This variant creates a frameshift predicted to result in premature protein truncation.

Literature cited by the submitters: PubMed 21822267 (cited by Labcorp Genetics (formerly Invitae), Labcorp).